The following is an entry in ClinVar:

NM_013266.4(CTNNA3):c.469A>G (p.Thr157Ala)

Gene: CTNNA3 (catenin alpha 3; minus strand). Cytogenetic location: 10q21.3.
Variant type: single nucleotide variant.
Coding change: c.469A>G on transcript NM_013266.4 (MANE Select); coding-DNA position 469, A replaced by G.
Protein change: p.Thr157Ala; replaces threonine 157 with alanine.
Molecular consequence: missense variant.
Genome position (GRCh38, 1-based): chr10:67,521,952, T>C on the plus strand (A>G on the coding strand, the complement: CTNNA3 is on the minus strand). VCF-style: chr10-67521952-T-C. GRCh37 (hg19) VCF-style: chr10-69281710-T-C.
Other names: c.469A>G, p.Thr157Ala (NM_001127384.3); c.505A>G, p.Thr169Ala (NM_001291133.2); short protein forms T169A, T157A.
Identifiers: ClinVar variation 2724298 (VCV002724298.3), dbSNP rs1362721317, ClinGen allele CA377097668.
Genomic context (GRCh38, chr10:67,521,952, plus strand): 5'-GCTTCTGGTAGGTTTTCTGGAGGTCAGATTTGTTGGCAACATTTTTGAGAGACTCAAATG[T>C]CCTTTGAAACTGAAATTGAAAACAAAAGTAGATCATTAGGATAGCAGCAGATTTTTCTCA-3'
Protein context (NP_037398.2, residues 147-167): LLQHVSAFQR[Thr157Ala]FESLKNVANK

ClinVar aggregate classification (germline): Uncertain significance (1 of 4 stars; one submission).

Conditions:
Arrhythmogenic right ventricular dysplasia 13. Also called: ARRHYTHMOGENIC RIGHT VENTRICULAR CARDIOMYOPATHY 13; Arrhythmogenic right ventricular dysplasia, familial, 13. Identifiers: MedGen C3810138, MONDO:0000908, OMIM 615616.

Allele frequency attached by ClinVar (database versions not stated): gnomAD 0.00001; gnomAD exomes 0.00001.
gnomAD v4.1: 14 of 1,610,892 alleles (0.00087%); highest among the groups gnomAD compares: South Asian, 0.015%; no homozygotes.

Submission:

Labcorp Genetics (formerly Invitae), Labcorp
Classification: Uncertain significance for Arrhythmogenic right ventricular dysplasia 13. Last evaluated: 2022-12-07. Review status: criteria provided, single submitter. Criteria: Invitae Variant Classification Sherloc (09022015). Collection method: clinical testing. Allele origin: germline.
Comment: This sequence change replaces threonine, which is neutral and polar, with alanine, which is neutral and non-polar, at codon 157 of the CTNNA3 protein (p.Thr157Ala). The frequency data for this variant in the population databases is considered unreliable, as metrics indicate poor data quality at this position in the gnomAD database. This variant has not been reported in the literature in individuals affected with CTNNA3-related conditions. Advanced modeling of protein sequence and biophysical properties (such as structural, functional, and spatial information, amino acid conservation, physicochemical variation, residue mobility, and thermodynamic stability) performed at Invitae indicates that this missense variant is not expected to disrupt CTNNA3 protein function. In summary, the available evidence is currently insufficient to determine the role of this variant in disease. Therefore, it has been classified as a Variant of Uncertain Significance.